The following is an entry in ClinVar:

ClinVar aggregate classification (germline): Uncertain significance (1 of 4 stars; one submission).

Conditions:
Generalized epilepsy with febrile seizures plus, type 7 (GEFSP7). Also called: GEFS+, TYPE 7. Identifiers: Orphanet 36387, MedGen C2751778, MONDO:0013470, OMIM 613863.
Neuropathy, hereditary sensory and autonomic, type 2A (HSAN2A). Also called: ACROOSTEOLYSIS, GIACCAI TYPE; ACROOSTEOLYSIS, NEUROGENIC; HSAN IIA; MORVAN DISEASE; NEUROPATHY, CONGENITAL SENSORY; NEUROPATHY, HEREDITARY SENSORY RADICULAR, AUTOSOMAL RECESSIVE. Identifiers: Orphanet 970, MedGen C2752089, MONDO:0024309, OMIM 201300.

Allele frequency attached by ClinVar (database versions not stated): gnomAD 0.00001; gnomAD exomes 0.00001; TOPMed 0.00001; ExAC 0.00002.
gnomAD v4.1: 5 of 1,614,058 alleles (0.00031%); highest among the groups gnomAD compares: Non-Finnish European, 0.00034%; no homozygotes.

Submission:

Labcorp Genetics (formerly Invitae), Labcorp
Classification: Uncertain significance for Neuropathy, hereditary sensory and autonomic, type 2A; Generalized epilepsy with febrile seizures plus, type 7. Last evaluated: 2022-03-20. Review status: criteria provided, single submitter. Criteria: Invitae Variant Classification Sherloc (09022015). Collection method: clinical testing. Allele origin: germline.
Comment: In summary, the available evidence is currently insufficient to determine the role of this variant in disease. Therefore, it has been classified as a Variant of Uncertain Significance. Algorithms developed to predict the effect of sequence changes on RNA splicing suggest that this variant may create or strengthen a splice site. Algorithms developed to predict the effect of missense changes on protein structure and function (SIFT, PolyPhen-2, Align-GVGD) all suggest that this variant is likely to be disruptive. This variant has not been reported in the literature in individuals affected with SCN9A-related conditions. This variant is present in population databases (rs767169255, gnomAD 0.002%). This sequence change replaces valine, which is neutral and non-polar, with phenylalanine, which is neutral and non-polar, at codon 628 of the SCN9A protein (p.Val628Phe).

NM_001365536.1(SCN9A):c.1882G>T (p.Val628Phe)

Genes: SCN1A-AS1 (SCN1A and SCN9A antisense RNA 1; plus strand), SCN9A (sodium voltage-gated channel alpha subunit 9; minus strand). Cytogenetic location: 2q24.3.
Variant type: single nucleotide variant.
Coding change: c.1882G>T on transcript NM_001365536.1 (MANE Select); coding-DNA position 1882, G replaced by T.
Protein change: p.Val628Phe; replaces valine 628 with phenylalanine.
Molecular consequence: missense variant.
Genome position (GRCh38, 1-based): chr2:166,284,545, C>A on the plus strand (G>T on the coding strand, the complement: SCN9A is on the minus strand). VCF-style: chr2-166284545-C-A. GRCh37 (hg19) VCF-style: chr2-167141055-C-A.
Other names: c.1882G>T, p.Val628Phe (NM_002977.4); short protein forms V628F.
Identifiers: ClinVar variation 2040118 (VCV002040118.4), dbSNP rs767169255, ClinGen allele CA1944410.
Genomic context (GRCh38, chr2:166,284,545, plus strand): 5'-CCTCTGGCAGAAGCTGTCCATTGGGGAGCATGAGGGCTGAGCGTCCATCAACCAGGGAGA[C>A]CACACCGTTGCAGTCCACAGCACTGTGCATTTTCCCGTTCACCGGCAGCATTGGTGGGGA-3'
Protein context (NP_001352465.1, residues 618-638): MHSAVDCNGV[Val628Phe]SLVDGRSALM